The following is an entry in ClinVar:

NM_001244008.2(KIF1A):c.864+1del

Gene: KIF1A (kinesin family member 1A; minus strand). Cytogenetic location: 2q37.3.
Variant type: Deletion.
Coding change: c.864+1del on transcript NM_001244008.2 (MANE Select); the canonical splice donor site of the intron after coding-DNA position 864, one base deleted (G; older notation c.864+1delG).
Molecular consequence: splice donor variant.
Genome position (GRCh38, 1-based): chr2:240,783,043, C deleted on the plus strand (G on the coding strand, the reverse complement: KIF1A is on the minus strand); the first of 2 consecutive C bases (chr2:240,783,043-240,783,044); deleting either gives the same sequence. VCF-style (leftmost placement, unchanged base first): chr2-240783042-AC-A. GRCh37 (hg19) VCF-style: chr2-241722459-AC-A.
Other names: c.864+1del (NM_001379653.1, NM_001379650.1, NM_001379645.1 and 20 more transcripts).
Identifiers: ClinVar variation 1451736 (VCV001451736.6), dbSNP rs2126049633, ClinGen allele CA2573135681.

ClinVar aggregate classification (germline): Pathogenic (1 of 4 stars; one submission).

Conditions:
Hereditary spastic paraplegia 30. Identifiers: Orphanet 101010, MedGen C5235139, MONDO:0012476.
Neuropathy, hereditary sensory, type 2C. Also called: KIF1A-Related HSAN2 (HSAN2C); Hereditary sensory and autonomic neuropathy type IIC. Identifiers: Orphanet 970, MedGen C3280168, MONDO:0013634, OMIM 614213.
Intellectual disability, autosomal dominant 9 (NESCAVS). Also called: KIF1A-Related Neurodevelopmental Disorder; NESCAV SYNDROME. Identifiers: Orphanet 662367, MedGen C5393830, MONDO:0013656, OMIM 614255.

Submission:

Labcorp Genetics (formerly Invitae), Labcorp
Classification: Pathogenic for Hereditary spastic paraplegia 30; Neuropathy, hereditary sensory, type 2C; Intellectual disability, autosomal dominant 9. Last evaluated: 2024-03-07. Review status: criteria provided, single submitter. Criteria: Invitae Variant Classification Sherloc (09022015). Collection method: clinical testing. Allele origin: germline.
Comment: This sequence change creates a premature translational stop signal (p.Asp289Thrfs*23) in the KIF1A gene. It is expected to result in an absent or disrupted protein product. Loss-of-function variants in KIF1A are known to be pathogenic (PMID: 21820098). This variant is not present in population databases (gnomAD no frequency). This variant has not been reported in the literature in individuals affected with KIF1A-related conditions. ClinVar contains an entry for this variant (Variation ID: 1451736). Algorithms developed to predict the effect of sequence changes on RNA splicing suggest that this variant may disrupt the consensus splice site. For these reasons, this variant has been classified as Pathogenic.

Literature cited by the submitters: PubMed 21820098.